The following is an entry in ClinVar:

NM_001378743.1(CYLD):c.*841G>A

Genes: CYLD (CYLD lysine 63 deubiquitinase; plus strand), CYLD-AS2 (CYLD antisense RNA 2; minus strand). Cytogenetic location: 16q12.1.
Variant type: single nucleotide variant.
Coding change: c.*841G>A on transcript NM_001378743.1 (MANE Select); 841 bases downstream of the stop codon, G replaced by A.
Molecular consequence: 3 prime UTR variant. On other transcripts: non-coding transcript variant (1).
Genome position (GRCh38, 1-based): chr16:50,797,349, G>A. VCF-style: chr16-50797349-G-A. GRCh37 (hg19) VCF-style: chr16-50831260-G-A.
Other names: c.*841G>A (NM_001042355.2, NM_001042412.3, NM_001378744.1 and 12 more transcripts).
Identifiers: ClinVar variation 319518 (VCV000319518.6), dbSNP rs117537927, ClinGen allele CA10643739.

ClinVar aggregate classification (germline): Benign. Review status: criteria provided, multiple submitters, no conflicts (2 of 4 stars). 4 submissions from 2 submitters: Benign (4). Last evaluated 2018-01-13.

Conditions:
Familial multiple trichoepitheliomata. Also called: Familial multiple trichoepithelioma. Identifiers: Orphanet 79493, Orphanet 867, MedGen C1275122, MONDO:0011114.
Familial cylindromatosis. Also called: Turban tumor syndrome; ANCELL-SPIEGLER CYLINDROMAS. Identifiers: Orphanet 211, Orphanet 79493, MedGen C1851526, MONDO:0007565, OMIM 132700.
Brooke-Spiegler syndrome. Also called: CYLD Cutaneous Syndrome. Identifiers: Orphanet 79493, MedGen C1857941, MONDO:0011512, OMIM 605041.

Allele frequency attached by ClinVar (database versions not stated): 1000 Genomes Project 30x 0.01390; 1000 Genomes Project 0.01398; TOPMed 0.02252; gnomAD 0.02264 and 0.02289; gnomAD exomes 0.02721.
gnomAD v4.1: 5,640 of 232,244 alleles (2.4%); highest among the groups gnomAD compares: Middle Eastern, 3.3%; 92 homozygotes.

Submissions (4):

Illumina Laboratory Services, Illumina
Classification: Benign for Brooke-Spiegler syndrome. Last evaluated: 2018-01-13. Review status: criteria provided, single submitter. Criteria: ICSL Variant Classification Criteria 13 December 2019. Collection method: clinical testing. Allele origin: germline.
Comment: This variant was observed in the ICSL laboratory as part of a predisposition screen in an ostensibly healthy population. It had not been previously curated by ICSL or reported in the Human Gene Mutation Database (HGMD: prior to June 1st, 2018), and was therefore a candidate for classification through an automated scoring system. Utilizing variant allele frequency, disease prevalence and penetrance estimates, and inheritance mode, an automated score was calculated to assess if this variant is too frequent to cause the disease. Based on the score and internal cut-off values, a variant classified as benign is not then subjected to further curation. The score for this variant resulted in a classification of benign for this disease.

Illumina Laboratory Services, Illumina
Classification: Benign for Trichoepithelioma, multiple familial, 1. Last evaluated: 2018-01-13. Review status: criteria provided, single submitter. Criteria: ICSL Variant Classification Criteria 13 December 2019. Collection method: clinical testing. Allele origin: germline.
Comment: the same text as in the submission from Illumina Laboratory Services, Illumina above.

Illumina Laboratory Services, Illumina
Classification: Benign for Familial cylindromatosis. Last evaluated: 2018-01-13. Review status: criteria provided, single submitter. Criteria: ICSL Variant Classification Criteria 13 December 2019. Collection method: clinical testing. Allele origin: germline.
Comment: the same text as in the submission from Illumina Laboratory Services, Illumina above.

Breakthrough Genomics
Classification: Benign. Review status: criteria provided, single submitter. Criteria: ACMG Guidelines, 2015. Collection method: not provided. Allele origin: germline. Inheritance: Autosomal dominant inheritance. Affected: yes.